The following is an entry in ClinVar:

ClinVar aggregate classification (germline): Pathogenic (1 of 4 stars; one submission).

Submission:

ISCA site 4
Classification: Pathogenic. Last evaluated: 2011-08-12. Review status: criteria provided, single submitter. Criteria: Kaminsky et al. (Genet Med. 2011). Collection method: clinical testing. Allele origin: paternal. Affected: yes. Observed: 1 variant allele.
Comment: Copy number variation identified through the course of routine clinical cytogenomic testing in postnatal populations. Clinical assertions have been curated as described in Kaminsky et al. 2011.

GRCh38/hg38 1q21.1-21.2(chr1:146987841-148234205)x3

Genes: ACP6 (acid phosphatase 6, lysophosphatidic; minus strand), BCL9 (BCL9 transcription coactivator; plus strand), CHD1L (chromodomain helicase DNA binding protein 1 like; plus strand), FMO5 (flavin containing dimethylaniline monoxygenase 5; minus strand), GJA5 (gap junction protein alpha 5; minus strand) and 35 more. Cytogenetic location: 1q21.1-21.2.
Variant type: copy number gain.
Change: copy number 3 (three copies instead of two) of chr1:146,987,841-148,234,205 (1.25 Mb, GRCh38 coordinates, 1-based), cytogenetic band 1q21.1-21.2.
Identifiers: ClinVar variation 57249 (VCV000057249.1).